The following is an entry in ClinVar:

ClinVar aggregate classification (germline): Uncertain significance (1 of 4 stars; one submission).

Allele frequency attached by ClinVar (database versions not stated): TOPMed 0.00002; gnomAD exomes 0.00003; ExAC 0.00004; gnomAD 0.00005.
gnomAD v4.1: 49 of 1,613,982 alleles (0.003%); highest among the groups gnomAD compares: South Asian, 0.012%; no homozygotes.

Submission:

Labcorp Genetics (formerly Invitae), Labcorp
Classification: Uncertain significance. Last evaluated: 2022-03-29. Review status: criteria provided, single submitter. Criteria: Invitae Variant Classification Sherloc (09022015). Collection method: clinical testing. Allele origin: germline.
Comment: In summary, the available evidence is currently insufficient to determine the role of this variant in disease. Therefore, it has been classified as a Variant of Uncertain Significance. Algorithms developed to predict the effect of missense changes on protein structure and function are either unavailable or do not agree on the potential impact of this missense change (SIFT: "Deleterious"; PolyPhen-2: "Probably Damaging"; Align-GVGD: "Class C0"). This variant has not been reported in the literature in individuals affected with PDP1-related conditions. This variant is present in population databases (rs777354361, gnomAD 0.02%). This sequence change replaces glycine, which is neutral and non-polar, with serine, which is neutral and polar, at codon 103 of the PDP1 protein (p.Gly103Ser).

NM_018444.4(PDP1):c.307G>A (p.Gly103Ser)

Gene: PDP1 (pyruvate dehydrogenase phosphatase catalytic subunit 1; plus strand). Cytogenetic location: 8q22.1.
Variant type: single nucleotide variant.
Coding change: c.307G>A on transcript NM_018444.4 (MANE Select); coding-DNA position 307, G replaced by A.
Protein change: p.Gly103Ser; replaces glycine 103 with serine.
Molecular consequence: missense variant.
Genome position (GRCh38, 1-based): chr8:93,922,366, G>A. VCF-style: chr8-93922366-G-A. GRCh37 (hg19) VCF-style: chr8-94934594-G-A.
Other names: c.382G>A, p.Gly128Ser (NM_001161779.2, NM_001161780.2); c.307G>A, p.Gly103Ser (NM_001161781.2); short protein forms G103S, G128S.
Identifiers: ClinVar variation 2148274 (VCV002148274.3), dbSNP rs777354361, ClinGen allele CA4808679.